The following is an entry in ClinVar:

ClinVar aggregate classification (germline): Pathogenic (1 of 4 stars; one submission).

Conditions:
GNPTAB-mucolipidosis. Also called: UDP-N-acetylglucosamine-1-phosphotransferase subunit alpha/beta deficiency. Identifiers: MedGen CN322573, MONDO:0100122.

Submission:

Myriad Genetics, Inc.
Classification: Pathogenic for GNPTAB-mucolipidosis. Last evaluated: 2026-03-09. Review status: criteria provided, single submitter. Criteria: Myriad Autosomal Dominant, Autosomal Recessive and X-Linked Classification Criteria (2023). Collection method: clinical testing. Allele origin: unknown.
Comment: NM_024312.4(GNPTAB):c.2823delT(L942*) is a frameshift variant classified as pathogenic in the context of GNPTAB-related disorders. L942* has not been observed in cases with relevant disease. Relevant functional assessments of this variant are not available in the literature. L942* has not been observed in referenced population frequency databases. In summary, NM_024312.4(GNPTAB):c.2823delT(L942*) is a frameshift variant in a gene where loss of function is a known mechanism of disease and is predicted to disrupt protein function. Please note: this variant was assessed in the context of healthy population screening.

NM_024312.5(GNPTAB):c.2823del (p.Ile941_Leu942insTer)

Gene: GNPTAB (N-acetylglucosamine-1-phosphate transferase subunits alpha and beta; minus strand). Cytogenetic location: 12q23.2.
Variant type: Deletion.
Coding change: c.2823del on transcript NM_024312.5 (MANE Select); coding-DNA position 2823, one base deleted (T; older notation c.2823delT).
Protein change: p.Ile941_Leu942insTer.
Molecular consequence: frameshift variant.
Genome position (GRCh38, 1-based): chr12:101,761,656, A deleted on the plus strand (T on the coding strand, the reverse complement: GNPTAB is on the minus strand); the first of 2 consecutive A bases (chr12:101,761,656-101,761,657); deleting either gives the same sequence. VCF-style (leftmost placement, unchanged base first): chr12-101761655-GA-G. GRCh37 (hg19) VCF-style: chr12-102155433-GA-G.
Identifiers: ClinVar variation 5004525 (VCV005004525.1).